The following is an entry in ClinVar:

ClinVar aggregate classification (germline): Uncertain significance. Review status: criteria provided, multiple submitters, no conflicts (2 of 4 stars). 2 submissions from 2 submitters: Uncertain significance (2). Last evaluated 2026-07-09.

Conditions:
Inborn genetic diseases. Identifiers: MedGen C0950123, MeSH D030342.
Fanconi anemia (FA). Also called: Fanconi's anemia. Identifiers: Orphanet 84, MedGen C0015625, MeSH D005199, MONDO:0019391.

Allele frequency attached by ClinVar (database versions not stated): gnomAD exomes below 0.00001; ExAC 0.00001.

Submissions (2):

Ambry Genetics
Classification: Uncertain significance for Inborn genetic diseases. Last evaluated: 2026-07-09. Review status: criteria provided, single submitter. Criteria: Ambry Variant Classification Scheme 2023. Collection method: clinical testing. Allele origin: germline.
Comment: The p.M1648R variant (also known as c.4943T>G), located in coding exon 20 of the FANCM gene, results from a T to G substitution at nucleotide position 4943. The methionine at codon 1648 is replaced by arginine, an amino acid with similar properties. This amino acid position is conserved. In addition, this alteration is predicted to be tolerated by in silico analysis. Based on the available evidence, the clinical significance of this variant remains unclear.

Labcorp Genetics (formerly Invitae), Labcorp
Classification: Uncertain significance for Fanconi anemia. Last evaluated: 2024-01-02. Review status: criteria provided, single submitter. Criteria: Invitae Variant Classification Sherloc (09022015). Collection method: clinical testing. Allele origin: germline.
Comment: This sequence change replaces methionine, which is neutral and non-polar, with arginine, which is basic and polar, at codon 1648 of the FANCM protein (p.Met1648Arg). This variant is present in population databases (rs766886760, gnomAD 0.003%). This variant has not been reported in the literature in individuals affected with FANCM-related conditions. ClinVar contains an entry for this variant (Variation ID: 1440790). An algorithm developed to predict the effect of missense changes on protein structure and function (PolyPhen-2) suggests that this variant is likely to be tolerated. In summary, the available evidence is currently insufficient to determine the role of this variant in disease. Therefore, it has been classified as a Variant of Uncertain Significance.

NM_020937.4(FANCM):c.4943T>G (p.Met1648Arg)

Gene: FANCM (FA complementation group M; plus strand). Cytogenetic location: 14q21.2.
Variant type: single nucleotide variant.
Coding change: c.4943T>G on transcript NM_020937.4 (MANE Select); coding-DNA position 4943, T replaced by G.
Protein change: p.Met1648Arg; replaces methionine 1648 with arginine.
Molecular consequence: missense variant.
Genome position (GRCh38, 1-based): chr14:45,188,965, T>G. VCF-style: chr14-45188965-T-G. GRCh37 (hg19) VCF-style: chr14-45658168-T-G.
Other names: c.4943T>G (NM_020937.2); c.4865T>G, p.Met1622Arg (NM_001308133.2); short protein forms M1622R, M1648R.
Identifiers: ClinVar variation 1440790 (VCV001440790.10), dbSNP rs766886760, ClinGen allele CA7169881.
Genomic context (GRCh38, chr14:45,188,965, plus strand): 5'-ACTTAATAACTGATGATTGCTTTGCAAATAGTAAAAAGTATAAAACTCGACGTGCAGTAA[T>G]GCTAAAAGAAATGATGGAACAAAATTGTGCACATTCAAAAAAGAAATTATCCAGAATTAT-3'
Protein context (NP_065988.1, residues 1638-1658): SKKYKTRRAV[Met1648Arg]LKEMMEQNCA